The following is an entry in ClinVar:

NM_001127222.2(CACNA1A):c.1345+72dup

Gene: CACNA1A (calcium voltage-gated channel subunit alpha1 A; minus strand). Cytogenetic location: 19p13.13.
Variant type: Duplication.
Coding change: c.1345+72dup on transcript NM_001127222.2 (MANE Select); 72 bases into the intron after coding-DNA position 1345, one base duplicated (A; older notation c.1345+72dupA).
Molecular consequence: intron variant.
Genome position (GRCh38, 1-based): chr19:13,330,172, T duplicated on the plus strand (A on the coding strand, the reverse complement: CACNA1A is on the minus strand). VCF-style (leftmost placement, unchanged base first): chr19-13330171-C-CT. GRCh37 (hg19) VCF-style: chr19-13440985-C-CT.
Other names: c.1348+72dup (NM_001127221.2, NM_001174080.2, NM_000068.4 and 1 more transcripts); c.1348+72dupA (NM_001127221.1).
Identifiers: ClinVar variation 680240 (VCV000680240.3), dbSNP rs3834988, ClinGen allele CA305535450.

ClinVar aggregate classification (germline): Benign. Review status: criteria provided, multiple submitters, no conflicts (2 of 4 stars). 2 submissions from 2 submitters: Benign (2). Last evaluated 2024-07-15.

Allele frequency attached by ClinVar (database versions not stated): gnomAD exomes 0.17819; gnomAD 0.23907 and 0.24173; TOPMed 0.24750; 1000 Genomes Project 0.26378; 1000 Genomes Project 30x 0.26952.

Submissions (2):

Unidad de Genómica Garrahan, Hospital de Pediatría Garrahan
Classification: Benign. Last evaluated: 2024-07-15. Review status: criteria provided, single submitter. Criteria: ACMG Guidelines, 2015. Collection method: clinical testing. Allele origin: germline. Affected: no. Observed: 31 variant alleles.
Comment: This variant is classified as Benign based on local population frequency. This variant was detected in 33% of patients studied in a panel designed for Epileptic and Developmental Encephalopathy and Progressive Myoclonus Epilepsy. Number of patients: 31. Only high quality variants are reported.

GeneDx
Classification: Benign. Last evaluated: 2018-06-14. Review status: criteria provided, single submitter. Criteria: GeneDx Variant Classification (06012015). Collection method: clinical testing. Allele origin: germline. Affected: yes.
Comment: This variant is considered likely benign or benign based on one or more of the following criteria: it is a conservative change, it occurs at a poorly conserved position in the protein, it is predicted to be benign by multiple in silico algorithms, and/or has population frequency not consistent with disease.